The following is an entry in ClinVar:

ClinVar aggregate classification (germline): Uncertain significance (1 of 4 stars; one submission).

Conditions:
Gastrointestinal stromal tumor. Also called: Gastrointestinal stroma tumor; Gastrointestinal stromal tumor, somatic. Identifiers: Orphanet 44890, MedGen C0238198, MeSH D046152, MONDO:0011719, OMIM 606764, HP:0100723.

Submission:

Labcorp Genetics (formerly Invitae), Labcorp
Classification: Uncertain significance for Gastrointestinal stromal tumor. Last evaluated: 2024-03-26. Review status: criteria provided, single submitter. Criteria: Invitae Variant Classification Sherloc (09022015). Collection method: clinical testing. Allele origin: germline.
Comment: This sequence change replaces cysteine, which is neutral and slightly polar, with serine, which is neutral and polar, at codon 13 of the PDGFRA protein (p.Cys13Ser). This variant is not present in population databases (gnomAD no frequency). This variant has not been reported in the literature in individuals affected with PDGFRA-related conditions. An algorithm developed to predict the effect of missense changes on protein structure and function (PolyPhen-2) suggests that this variant is likely to be disruptive. In summary, the available evidence is currently insufficient to determine the role of this variant in disease. Therefore, it has been classified as a Variant of Uncertain Significance.

NM_006206.6(PDGFRA):c.38G>C (p.Cys13Ser)

Gene: PDGFRA (platelet derived growth factor receptor alpha; plus strand). Cytogenetic location: 4q12.
Variant type: single nucleotide variant.
Coding change: c.38G>C on transcript NM_006206.6 (MANE Select); coding-DNA position 38, G replaced by C.
Protein change: p.Cys13Ser; replaces cysteine 13 with serine.
Molecular consequence: missense variant.
Genome position (GRCh38, 1-based): chr4:54,258,806, G>C. VCF-style: chr4-54258806-G-C. GRCh37 (hg19) VCF-style: chr4-55124973-G-C.
Other names: c.38G>C, p.Cys13Ser (NM_001347827.2, NM_001347829.2); c.113G>C, p.Cys38Ser (NM_001347828.2); c.77G>C, p.Cys26Ser (NM_001347830.2); short protein forms C13S, C26S, C38S.
Identifiers: ClinVar variation 4804367 (VCV004804367.1).
Genomic context (GRCh38, chr4:54,258,806, plus strand): 5'-GACTTTTCTAGTTTCCCAGAGCTATGGGGACTTCCCATCCGGCGTTCCTGGTCTTAGGCT[G>C]TCTTCTCACAGGTACGGAGCCCAGTCCTCTCTGAGTTCCTTGTTTGGGTGTCTTGTTTTT-3'
Protein context (NP_006197.1, residues 3-23): TSHPAFLVLG[Cys13Ser]LLTGLSLILC